The following is an entry in ClinVar:

ClinVar aggregate classification (germline): Uncertain significance (1 of 4 stars; one submission).

Submission:

Labcorp Genetics (formerly Invitae), Labcorp
Classification: Uncertain significance. Last evaluated: 2025-10-18. Review status: criteria provided, single submitter. Criteria: Invitae Variant Classification Sherloc (09022015). Collection method: clinical testing. Allele origin: germline.
Comment: This sequence change replaces serine, which is neutral and polar, with phenylalanine, which is neutral and non-polar, at codon 131 of the NSD1 protein (p.Ser131Phe). This variant is not present in population databases (gnomAD no frequency). This variant has not been reported in the literature in individuals affected with NSD1-related conditions. Invitae Evidence Modeling of protein sequence and biophysical properties (such as structural, functional, and spatial information, amino acid conservation, physicochemical variation, residue mobility, and thermodynamic stability) indicates that this missense variant is not expected to disrupt NSD1 protein function with a negative predictive value of 95%. In summary, the available evidence is currently insufficient to determine the role of this variant in disease. Therefore, it has been classified as a Variant of Uncertain Significance.

NM_022455.5(NSD1):c.392C>T (p.Ser131Phe)

Gene: NSD1 (nuclear receptor binding SET domain protein 1; plus strand). Cytogenetic location: 5q35.3.
Variant type: single nucleotide variant.
Coding change: c.392C>T on transcript NM_022455.5 (MANE Select); coding-DNA position 392, C replaced by T.
Protein change: p.Ser131Phe; replaces serine 131 with phenylalanine.
Molecular consequence: missense variant. On other transcripts: intron variant (7).
Genome position (GRCh38, 1-based): chr5:177,135,495, C>T. VCF-style: chr5-177135495-C-T. GRCh37 (hg19) VCF-style: chr5-176562496-C-T.
Other names: c.392C>T, p.Ser131Phe (NM_001409301.1, NM_001409302.1, NM_001409303.1 and 1 more transcripts); c.-37+295C>T (NM_001409305.1, NM_001409306.1, NM_001409308.1 and 4 more transcripts); short protein forms S131F.
Identifiers: ClinVar variation 4801574 (VCV004801574.1).